The following is an entry in ClinVar:

ClinVar aggregate classification (germline): Conflicting classifications of pathogenicity. Review status: criteria provided, conflicting classifications (1 of 4 stars). 4 submissions from 4 submitters: Uncertain significance (3); Likely benign (1). Last evaluated 2025-11-03.

Conditions:
TTN-related disorder. Also called: TTN-related condition; TTN-related disease; TTN-related disorders.
Cardiovascular phenotype. Identifiers: MedGen CN230736.

Allele frequency attached by ClinVar (database versions not stated): ExAC 0.00001; gnomAD exomes 0.00001; gnomAD 0.00004; TOPMed 0.00006; ESP Exome Variant Server 0.00008.
gnomAD v4.1: 10 of 1,613,934 alleles (0.00062%); highest among the groups gnomAD compares: African/African-American, 0.012%; no homozygotes.

Submissions (4):

PreventionGenetics, part of Exact Sciences
Classification: Uncertain significance for TTN-related condition. Last evaluated: 2025-11-03. Review status: criteria provided, single submitter. Criteria: ACMG Guidelines, 2015. Collection method: clinical testing. Allele origin: germline.
Comment: The TTN c.2854G>C variant is predicted to result in the amino acid substitution p.Val952Leu. To our knowledge, this variant has not been reported in the literature. This variant is reported in 0.012% of alleles in individuals of African descent in gnomAD. At this time, the clinical significance of this variant is uncertain due to the absence of conclusive functional and genetic evidence.

Revvity Omics, Revvity
Classification: Uncertain significance. Last evaluated: 2022-04-13. Review status: criteria provided, single submitter. Criteria: ACMG Guidelines, 2015. Collection method: clinical testing. Allele origin: germline.

Ambry Genetics
Classification: Uncertain significance for Cardiovascular phenotype. Last evaluated: 2020-06-22. Review status: criteria provided, single submitter. Criteria: Ambry Variant Classification Scheme 2023. Collection method: clinical testing. Allele origin: germline.
Comment: The p.V906L variant (also known as c.2716G>C), located in coding exon 16 of the TTN gene, results from a G to C substitution at nucleotide position 2716. The valine at codon 906 is replaced by leucine, an amino acid with highly similar properties. This amino acid position is not well conserved in available vertebrate species. In addition, this alteration is predicted to be tolerated by in silico analysis. Since supporting evidence is limited at this time, the clinical significance of this alteration remains unclear.

GeneDx
Classification: Likely benign. Last evaluated: 2017-11-27. Review status: criteria provided, single submitter. Criteria: GeneDx Variant Classification (06012015). Collection method: clinical testing. Allele origin: germline. Affected: yes.
Comment: This variant is considered likely benign or benign based on one or more of the following criteria: it is a conservative change, it occurs at a poorly conserved position in the protein, it is predicted to be benign by multiple in silico algorithms, and/or has population frequency not consistent with disease.

NM_001267550.2(TTN):c.2854G>C (p.Val952Leu)

Gene: TTN (titin; minus strand). Cytogenetic location: 2q31.2.
Variant type: single nucleotide variant.
Coding change: c.2854G>C on transcript NM_001267550.2 (MANE Select); coding-DNA position 2854, G replaced by C.
Protein change: p.Val952Leu; replaces valine 952 with leucine.
Molecular consequence: missense variant.
Genome position (GRCh38, 1-based): chr2:178,783,052, C>G on the plus strand (G>C on the coding strand, the complement: TTN is on the minus strand). VCF-style: chr2-178783052-C-G. GRCh37 (hg19) VCF-style: chr2-179647779-C-G.
Other names: c.2854G>C, p.Val952Leu (NM_133378.4, NM_133379.5, NM_001256850.1); c.2716G>C, p.Val906Leu (NM_133432.3, NM_133437.4, NM_003319.4); short protein forms V952L, V906L.
Identifiers: ClinVar variation 513885 (VCV000513885.7), dbSNP rs373848402, ClinGen allele CA2005693.
Genomic context (GRCh38, chr2:178,783,052, plus strand): 5'-GGGATGGGTATCCAGAGATGTGGCACTCCAAGGTGACAGATTCACCTTCTATGACAGTCA[C>G]ATTTTTTAAGCCCTGAAGAGAGGAGAAAAAATAAATAATGATACGTGTGCATATTCATTA-3'
Protein context (NP_001254479.2, residues 942-962): PPTLVSGLKN[Val952Leu]TVIEGESVTL